The following is an entry in ClinVar:

NM_015272.5(RPGRIP1L):c.2920A>T (p.Lys974Ter)

Gene: RPGRIP1L (RPGRIP1 like; minus strand). Cytogenetic location: 16q12.2.
Variant type: single nucleotide variant.
Coding change: c.2920A>T on transcript NM_015272.5 (MANE Select); coding-DNA position 2920, A replaced by T.
Protein change: p.Lys974Ter; replaces lysine 974 with a stop codon.
Molecular consequence: nonsense.
Genome position (GRCh38, 1-based): chr16:53,641,071, T>A on the plus strand (A>T on the coding strand, the complement: RPGRIP1L is on the minus strand). VCF-style: chr16-53641071-T-A. GRCh37 (hg19) VCF-style: chr16-53674983-T-A.
Other names: c.2920A>T, p.Lys974Ter (NM_001127897.4, NM_001308334.3, NM_001330538.2); short protein forms K974*.
Identifiers: ClinVar variation 2950948 (VCV002950948.3), dbSNP rs1353809695, ClinGen allele CA395926997.

ClinVar aggregate classification (germline): Pathogenic (1 of 4 stars; one submission).

Conditions:
Joubert syndrome. Also called: CEREBELLOPARENCHYMAL DISORDER IV; JOUBERT-BOLTSHAUSER SYNDROME; Familial aplasia of the vermis. Identifiers: Orphanet 475, MedGen C5979921, MONDO:0018772.
Meckel-Gruber syndrome. Also called: DYSENCEPHALIA SPLANCHNOCYSTICA; GRUBER SYNDROME; Dysencephalia splachnocystica. Identifiers: Orphanet 564, MedGen C0265215, MONDO:0018921.

Allele frequency attached by ClinVar (database versions not stated): TOPMed below 0.00001.

Submission:

Labcorp Genetics (formerly Invitae), Labcorp
Classification: Pathogenic for Joubert syndrome; Meckel-Gruber syndrome. Last evaluated: 2023-08-14. Review status: criteria provided, single submitter. Criteria: Invitae Variant Classification Sherloc (09022015). Collection method: clinical testing. Allele origin: germline.
Comment: This variant is not present in population databases (gnomAD no frequency). This sequence change creates a premature translational stop signal (p.Lys974*) in the RPGRIP1L gene. It is expected to result in an absent or disrupted protein product. Loss-of-function variants in RPGRIP1L are known to be pathogenic (PMID: 17558409). This variant has not been reported in the literature in individuals affected with RPGRIP1L-related conditions. Algorithms developed to predict the effect of sequence changes on RNA splicing suggest that this variant may disrupt the consensus splice site. For these reasons, this variant has been classified as Pathogenic.

Literature cited by the submitters: PubMed 17558409.